The following is an entry in ClinVar:

ClinVar aggregate classification (germline): Likely pathogenic (1 of 4 stars; one submission).

Conditions:
LAMA2-related muscular dystrophy (LAMA2-RD). Also called: Laminin alpha 2-related dystrophy. Identifiers: MedGen C5679788, MONDO:0100228.

Allele frequency attached by ClinVar (database versions not stated): gnomAD 0.00001.
gnomAD v4.1: 1 of 1,613,716 alleles (0.000062%); highest among the groups gnomAD compares: Admixed American, 0.0017%; no homozygotes.

Submission:

Labcorp Genetics (formerly Invitae), Labcorp
Classification: Likely pathogenic for LAMA2-related muscular dystrophy. Last evaluated: 2022-06-29. Review status: criteria provided, single submitter. Criteria: Invitae Variant Classification Sherloc (09022015). Collection method: clinical testing. Allele origin: germline.
Comment: In summary, the currently available evidence indicates that the variant is pathogenic, but additional data are needed to prove that conclusively. Therefore, this variant has been classified as Likely Pathogenic. Algorithms developed to predict the effect of sequence changes on RNA splicing suggest that this variant may disrupt the consensus splice site. This variant has not been reported in the literature in individuals affected with LAMA2-related conditions. This variant is not present in population databases (gnomAD no frequency). This sequence change affects an acceptor splice site in intron 44 of the LAMA2 gene. It is expected to disrupt RNA splicing. Variants that disrupt the donor or acceptor splice site typically lead to a loss of protein function (PMID: 16199547), and loss-of-function variants in LAMA2 are known to be pathogenic (PMID: 18700894, 32904964).

Literature cited by the submitters: PubMed 16199547; PubMed 18700894; PubMed 32904964.

NM_000426.4(LAMA2):c.6275-2A>T

Gene: LAMA2 (laminin subunit alpha 2; plus strand). Cytogenetic location: 6q22.33.
Variant type: single nucleotide variant.
Coding change: c.6275-2A>T on transcript NM_000426.4 (MANE Select); the canonical splice acceptor site of the intron before coding-DNA position 6275, A replaced by T.
Molecular consequence: splice acceptor variant.
Genome position (GRCh38, 1-based): chr6:129,445,665, A>T. VCF-style: chr6-129445665-A-T. GRCh37 (hg19) VCF-style: chr6-129766810-A-T.
Other names: c.6275-2A>T (NM_001079823.2).
Identifiers: ClinVar variation 2070504 (VCV002070504.4), dbSNP rs1782331450, ClinGen allele CA365631550.